The following is an entry in ClinVar:

ClinVar aggregate classification (germline): Uncertain significance (1 of 4 stars; one submission).

Submission:

GeneDx
Classification: Uncertain significance. Last evaluated: 2020-07-06. Review status: criteria provided, single submitter. Criteria: GeneDx Variant Classification Process June 2021. Collection method: clinical testing. Allele origin: germline. Affected: yes.
Comment: Not observed in large population cohorts (Lek et al., 2016); In silico analysis supports that this missense variant has a deleterious effect on protein structure/function; Has not been previously published as pathogenic or benign to our knowledge

NM_138691.3(TMC1):c.1799T>G (p.Ile600Ser)

Gene: TMC1 (transmembrane channel like 1; plus strand). Cytogenetic location: 9q21.13.
Variant type: single nucleotide variant.
Coding change: c.1799T>G on transcript NM_138691.3 (MANE Select); coding-DNA position 1799, T replaced by G.
Protein change: p.Ile600Ser; replaces isoleucine 600 with serine.
Molecular consequence: missense variant.
Genome position (GRCh38, 1-based): chr9:72,820,877, T>G. VCF-style: chr9-72820877-T-G. GRCh37 (hg19) VCF-style: chr9-75435793-T-G.
Other names: short protein forms I600S.
Identifiers: ClinVar variation 1312991 (VCV001312991.2), dbSNP rs2118298452, ClinGen allele CA373669602.